The following is an entry in ClinVar:

ClinVar aggregate classification (germline): Conflicting classifications of pathogenicity. Review status: criteria provided, conflicting classifications (1 of 4 stars). 2 submissions from 2 submitters: Uncertain significance (1); Likely benign (1). Last evaluated 2024-02-22.

Conditions:
Combined oxidative phosphorylation defect type 17. Also called: Combined oxidative phosphorylation deficiency 17. Identifiers: Orphanet 369913, MedGen C3809526, MONDO:0014190, OMIM 615440.

Submissions (2):

Labcorp Genetics (formerly Invitae), Labcorp
Classification: Likely benign for Combined oxidative phosphorylation defect type 17. Last evaluated: 2024-02-22. Review status: criteria provided, single submitter. Criteria: Invitae Variant Classification Sherloc (09022015). Collection method: clinical testing. Allele origin: germline.

GeneDx
Classification: Uncertain significance. Last evaluated: 2023-12-29. Review status: criteria provided, single submitter. Criteria: GeneDx Variant Classification Process June 2021. Collection method: clinical testing. Allele origin: germline. Affected: yes.
Comment: Not observed at significant frequency in large population cohorts (gnomAD); Has not been previously published as pathogenic or benign to our knowledge; In silico analysis is inconclusive as to whether the variant alters gene splicing. In the absence of RNA/functional studies, the actual effect of this sequence change is unknown.

NM_018127.7(ELAC2):c.871-11del

Gene: ELAC2 (elaC ribonuclease Z 2; minus strand). Cytogenetic location: 17p12.
Variant type: Deletion.
Coding change: c.871-11del on transcript NM_018127.7 (MANE Select); 11 bases into the intron before coding-DNA position 871, one base deleted (T; older notation c.871-11delT).
Molecular consequence: intron variant.
Genome position (GRCh38, 1-based): chr17:13,005,112, A deleted on the plus strand (T on the coding strand, the reverse complement: ELAC2 is on the minus strand); the first of 3 consecutive A bases (chr17:13,005,112-13,005,114); deleting any one gives the same sequence. VCF-style (leftmost placement, unchanged base first): chr17-13005111-CA-C. GRCh37 (hg19) VCF-style: chr17-12908428-CA-C.
Other names: c.751-11del (NM_001165962.2); c.871-11del (NM_173717.2).
Identifiers: ClinVar variation 1621167 (VCV001621167.9), dbSNP rs781302974, ClinGen allele CA8401441.